The following is an entry in ClinVar:

NM_182914.3(SYNE2):c.2070A>G (p.Leu690=)

Gene: SYNE2 (spectrin repeat containing nuclear envelope protein 2; plus strand). Cytogenetic location: 14q23.2.
Variant type: single nucleotide variant.
Coding change: c.2070A>G on transcript NM_182914.3 (MANE Select); coding-DNA position 2070, A replaced by G.
Protein change: p.Leu690=; no amino-acid change (leucine 690 retained).
Molecular consequence: synonymous variant.
Genome position (GRCh38, 1-based): chr14:63,983,805, A>G. VCF-style: chr14-63983805-A-G. GRCh37 (hg19) VCF-style: chr14-64450523-A-G.
Other names: c.2070A>G, p.Leu690= (NM_015180.6).
Identifiers: ClinVar variation 130492 (VCV000130492.25), dbSNP rs79037871, ClinGen allele CA155569.

ClinVar aggregate classification (germline): Benign. Review status: criteria provided, multiple submitters, no conflicts (2 of 4 stars). 6 submissions from 6 submitters: Benign (5). 1 of the submissions does not count toward it. Last evaluated 2026-02-01.

Conditions:
Emery-Dreifuss muscular dystrophy 5, autosomal dominant (EDMD5). Also called: EMERY-DREIFUSS MUSCULAR DYSTROPHY 5. Identifiers: Orphanet 261, MedGen C2751805, MONDO:0013072, OMIM 612999.

Allele frequency attached by ClinVar (database versions not stated): ESP Exome Variant Server 0.00034; TOPMed 0.00259; 1000 Genomes Project 0.00280; 1000 Genomes Project 30x 0.00328.
gnomAD v4.1: 1,703 of 1,611,738 alleles (0.11%); highest among the groups gnomAD compares: Admixed American, 1.8%; 16 homozygotes.

Submissions (6):

Labcorp Genetics (formerly Invitae), Labcorp
Classification: Benign for Emery-Dreifuss muscular dystrophy 5, autosomal dominant. Last evaluated: 2026-02-01. Review status: criteria provided, single submitter. Criteria: Invitae Variant Classification Sherloc (09022015). Collection method: clinical testing. Allele origin: germline.

Athena Diagnostics
Classification: Benign. Last evaluated: 2025-02-05. Review status: criteria provided, single submitter. Criteria: Athena Diagnostics Criteria. Collection method: clinical testing. Allele origin: unknown.
Comment: The frequency of this variant in the general population is higher than would generally be expected for pathogenic variants in this gene.

Illumina Laboratory Services, Illumina
Classification: Benign for Emery-Dreifuss muscular dystrophy 5, autosomal dominant. Last evaluated: 2018-01-13. Review status: criteria provided, single submitter. Criteria: ICSL Variant Classification Criteria 13 December 2019. Collection method: clinical testing. Allele origin: germline.
Comment: This variant was observed in the ICSL laboratory as part of a predisposition screen in an ostensibly healthy population. It had not been previously curated by ICSL or reported in the Human Gene Mutation Database (HGMD: prior to June 1st, 2018), and was therefore a candidate for classification through an automated scoring system. Utilizing variant allele frequency, disease prevalence and penetrance estimates, and inheritance mode, an automated score was calculated to assess if this variant is too frequent to cause the disease. Based on the score and internal cut-off values, a variant classified as benign is not then subjected to further curation. The score for this variant resulted in a classification of benign for this disease.

Eurofins Ntd Llc (ga)
Classification: Benign. Last evaluated: 2015-07-23. Review status: criteria provided, single submitter. Criteria: EGL Classification Definitions 2015. Collection method: clinical testing. Allele origin: germline. Observed: 1 variant allele, 1 heterozygote.

Breakthrough Genomics
Classification: Benign. Review status: criteria provided, single submitter. Criteria: ACMG Guidelines, 2015. Collection method: not provided. Allele origin: germline. Inheritance: Autosomal dominant inheritance. Affected: yes.

Genetic Services Laboratory, University of Chicago
Classification: Likely benign for AllHighlyPenetrant. Review status: no assertion criteria provided. Collection method: clinical testing. Allele origin: germline. Inheritance: Autosomal dominant inheritance. Not counted in ClinVar's aggregate classification.
Comment: Likely benign based on allele frequency in 1000 Genomes Project or ESP global frequency and its presence in a patient with a rare or unrelated disease phenotype. NOT Sanger confirmed.